The following is an entry in ClinVar:

ClinVar aggregate classification (germline): Likely benign. Review status: criteria provided, single submitter (1 of 4 stars). 2 submissions from 2 submitters: Likely benign (1). 1 of the submissions does not count toward it. Last evaluated 2024-06-11.

Conditions:
MAP3K1-related disorder. Also called: MAP3K1-related condition.
46,XY sex reversal 6. Also called: 46,XY SEX REVERSAL, PARTIAL OR COMPLETE, MAP3K1-RELATED; 46,XY GONADAL DYSGENESIS, PARTIAL OR COMPLETE, MAP3K1-RELATED. Identifiers: MedGen C3151064, MONDO:0013410, OMIM 613762.

Submissions (2):

Labcorp Genetics (formerly Invitae), Labcorp
Classification: Likely benign for 46,XY sex reversal 6. Last evaluated: 2024-06-11. Review status: criteria provided, single submitter. Criteria: Invitae Variant Classification Sherloc (09022015). Collection method: clinical testing. Allele origin: germline.

PreventionGenetics, part of Exact Sciences
Classification: Likely benign for MAP3K1-related condition. Last evaluated: 2019-12-19. Review status: no assertion criteria provided. Collection method: clinical testing. Allele origin: germline. Not counted in ClinVar's aggregate classification.
Comment: This variant is classified as likely benign based on ACMG/AMP sequence variant interpretation guidelines (Richards et al. 2015 PMID: 25741868, with internal and published modifications).

NM_005921.2(MAP3K1):c.2824ACA[9] (p.Thr949_Glu950insThr)

Gene: MAP3K1 (mitogen-activated protein kinase kinase kinase 1; plus strand). Cytogenetic location: 5q11.2.
Variant type: Microsatellite.
Coding change: c.2824ACA[9] on transcript NM_005921.2 (MANE Select); nine copies in a row of the 3-base unit ACA starting at c.2824; the reference has eight copies in a row; one copy, 3 bases duplicated.
Protein change: p.Thr949_Glu950insThr.
Molecular consequence: inframe insertion.
Genome position (GRCh38, 1-based): chr5:56,882,045-56,882,047, ACA duplicated; duplicating any 3 consecutive bases within chr5:56,882,022-56,882,047 gives the same sequence; the position shown is the placement nearest the transcript's 3' end. VCF-style (leftmost placement, unchanged base first): chr5-56882021-T-TCAA. GRCh37 (hg19) VCF-style: chr5-56177848-T-TCAA.
Other names: c.2845_2847dupACA (NM_005921.1).
Identifiers: ClinVar variation 1954893 (VCV001954893.7), dbSNP rs5868032, ClinGen allele CA3273067.
Genomic context (GRCh38, chr5:56,882,021, plus strand): 5'-AGTGCCAGTTCAGAGGACATTTCTGAGAGACTGGCCAGCATTTCAGTAGGACCTTCTAGT[T>TCAA]CAACAACAACAACAACAACAACAACAGAGCAACCAAAGCCAATGGTTCAAACAAAAGGCA-3'